The following is an entry in ClinVar:

ClinVar aggregate classification (germline): Likely benign. Review status: criteria provided, multiple submitters, no conflicts (2 of 4 stars). 3 submissions from 3 submitters: Likely benign (3). Last evaluated 2025-09-02.

Conditions:
Acrocallosal syndrome (ACLS). Also called: HALLUX DUPLICATION, POSTAXIAL POLYDACTYLY, AND ABSENCE OF CORPUS CALLOSUM; Absence of corpus callosum with unusual facial appearance, mental deficiency, duplication of the halluces and polydactyly; Schinzel syndrome 1. Identifiers: Orphanet 36, MedGen C0796147, MONDO:0008708, OMIM 200990.

Allele frequency attached by ClinVar (database versions not stated): ExAC 0.00001; gnomAD exomes 0.00001 and 0.00002; TOPMed 0.00002; gnomAD 0.00003.
gnomAD v4.1: 19 of 1,606,708 alleles (0.0012%); highest among the groups gnomAD compares: South Asian, 0.0044%; 1 homozygote.

Submissions (3):

Labcorp Genetics (formerly Invitae), Labcorp
Classification: Likely benign for Acrocallosal syndrome. Last evaluated: 2025-09-02. Review status: criteria provided, single submitter. Criteria: Invitae Variant Classification Sherloc (09022015). Collection method: clinical testing. Allele origin: germline.

Blueprint Genetics
Classification: Likely benign. Last evaluated: 2022-12-19. Review status: criteria provided, single submitter. Criteria: ACMG Guidelines, 2015. Collection method: clinical testing. Allele origin: germline.

Women's Health and Genetics/Laboratory Corporation of America, LabCorp
Classification: Likely benign. Last evaluated: 2021-12-18. Review status: criteria provided, single submitter. Criteria: LabCorp Variant Classification Summary - May 2015. Collection method: clinical testing. Allele origin: germline.
Comment: Variant summary: KIF7 c.2760G>A alters a conserved nucleotide resulting in a synonymous change. 4/4 computational tools predict no significant impact on normal splicing. However, these predictions have yet to be confirmed by functional studies. The variant allele was found at a frequency of 1.6e-05 in 247434 control chromosomes. The available data on variant occurrences in the general population are insufficient to allow any conclusion about variant significance. To our knowledge, no occurrence of c.2760G>A in individuals affected with Acrocallosal Syndrome/Joubert Syndrome 12 and no experimental evidence demonstrating its impact on protein function have been reported. No clinical diagnostic laboratories have submitted clinical-significance assessments for this variant to ClinVar after 2014. Based on the evidence outlined above, the variant was classified as likely benign.

NM_198525.3(KIF7):c.2760G>A (p.Glu920=)

Gene: KIF7 (kinesin family member 7; minus strand). Cytogenetic location: 15q26.1.
Variant type: single nucleotide variant.
Coding change: c.2760G>A on transcript NM_198525.3 (MANE Select); coding-DNA position 2760, G replaced by A.
Protein change: p.Glu920=; no amino-acid change (glutamic acid 920 retained).
Molecular consequence: synonymous variant.
Genome position (GRCh38, 1-based): chr15:89,632,955, C>T on the plus strand (G>A on the coding strand, the complement: KIF7 is on the minus strand). VCF-style: chr15-89632955-C-T. GRCh37 (hg19) VCF-style: chr15-90176186-C-T.
Identifiers: ClinVar variation 1331452 (VCV001331452.10), dbSNP rs777277054, ClinGen allele CA7727954.